The following is an entry in ClinVar:

NM_018341.3(ERMARD):c.1944A>G (p.Thr648=)

Gene: ERMARD (ER membrane associated RNA degradation; plus strand). Cytogenetic location: 6q27.
Variant type: single nucleotide variant.
Coding change: c.1944A>G on transcript NM_018341.3 (MANE Select); coding-DNA position 1944, A replaced by G.
Protein change: p.Thr648=; no amino-acid change (threonine 648 retained).
Molecular consequence: synonymous variant.
Genome position (GRCh38, 1-based): chr6:169,781,420, A>G. VCF-style: chr6-169781420-A-G. GRCh37 (hg19) VCF-style: chr6-170181516-A-G.
Other names: c.1803A>G, p.Thr601= (NM_001278531.2); c.1566A>G, p.Thr522= (NM_001278532.2); c.1725A>G, p.Thr575= (NM_001278533.2).
Identifiers: ClinVar variation 382932 (VCV000382932.11), dbSNP rs2274952, ClinGen allele CA4106473.

ClinVar aggregate classification (germline): Benign. Review status: criteria provided, multiple submitters, no conflicts (2 of 4 stars). 3 submissions from 3 submitters: Benign (2). 1 of the submissions does not count toward it. Last evaluated 2026-01-17.

Conditions:
ERMARD-related disorder. Also called: ERMARD-related condition.

Allele frequency attached by ClinVar (database versions not stated): gnomAD 0.01821 and 0.02302; TOPMed 0.02058; ESP Exome Variant Server 0.02199; gnomAD exomes 0.03266 and 0.03886; ExAC 0.04226; 1000 Genomes Project 30x 0.04653; 1000 Genomes Project 0.04892.
gnomAD v4.1: 51,718 of 1,613,046 alleles (3.2%); highest among the groups gnomAD compares: South Asian, 16%; 1,877 homozygotes.

Submissions (3):

Labcorp Genetics (formerly Invitae), Labcorp
Classification: Benign. Last evaluated: 2026-01-17. Review status: criteria provided, single submitter. Criteria: Invitae Variant Classification Sherloc (09022015). Collection method: clinical testing. Allele origin: germline.

GeneDx
Classification: Benign. Last evaluated: 2016-03-24. Review status: criteria provided, single submitter. Criteria: GeneDx Variant Classification (06012015). Collection method: clinical testing. Allele origin: germline. Affected: yes.
Comment: This variant is considered likely benign or benign based on one or more of the following criteria: it is a conservative change, it occurs at a poorly conserved position in the protein, it is predicted to be benign by multiple in silico algorithms, and/or has population frequency not consistent with disease.

PreventionGenetics, part of Exact Sciences
Classification: Likely benign for ERMARD-related condition. Last evaluated: 2019-06-06. Review status: no assertion criteria provided. Collection method: clinical testing. Allele origin: germline. Not counted in ClinVar's aggregate classification.
Comment: This variant is classified as likely benign based on ACMG/AMP sequence variant interpretation guidelines (Richards et al. 2015 PMID: 25741868, with internal and published modifications).